The following is an entry in ClinVar:

NM_001385125.1(OPN1SW):c.919-5T>G

Genes: CALU (calumenin; plus strand), OPN1SW (opsin 1, short wave sensitive; minus strand). Cytogenetic location: 7q32.1.
Variant type: single nucleotide variant.
Coding change: c.919-5T>G on transcript NM_001385125.1 (MANE Select); 5 bases into the intron before coding-DNA position 919, T replaced by G.
Molecular consequence: intron variant. On other transcripts: 3 prime UTR variant (5), non-coding transcript variant (1).
Genome position (GRCh38, 1-based): chr7:128,772,664, A>C on the plus strand (T>G on the coding strand, the complement: OPN1SW is on the minus strand). VCF-style: chr7-128772664-A-C. GRCh37 (hg19) VCF-style: chr7-128412718-A-C.
Other names: c.*3497A>C (NM_001130674.3, NM_001199671.2, NM_001199672.2 and 1 more transcripts); c.*3570A>C (NM_001199673.2).
Identifiers: ClinVar variation 4693532 (VCV004693532.1).

ClinVar aggregate classification (germline): Uncertain significance (1 of 4 stars; one submission).

Submission:

Labcorp Genetics (formerly Invitae), Labcorp
Classification: Uncertain significance. Last evaluated: 2025-07-06. Review status: criteria provided, single submitter. Criteria: Invitae Variant Classification Sherloc (09022015). Collection method: clinical testing. Allele origin: germline.
Comment: This sequence change falls in intron 4 of the OPN1SW gene. It does not directly change the encoded amino acid sequence of the OPN1SW protein. This variant is not present in population databases (gnomAD no frequency). This variant has not been reported in the literature in individuals affected with OPN1SW-related conditions. Algorithms developed to predict the effect of sequence changes on RNA splicing suggest that this variant may disrupt the consensus splice site. In summary, the available evidence is currently insufficient to determine the role of this variant in disease. Therefore, it has been classified as a Variant of Uncertain Significance.